The following is an entry in ClinVar:

ClinVar aggregate classification (germline): Pathogenic. Review status: criteria provided, multiple submitters, no conflicts (2 of 4 stars). 2 submissions from 2 submitters: Pathogenic (2). Last evaluated 2023-11-15.

Conditions:
Hereditary cancer-predisposing syndrome. Also called: Neoplastic Syndromes, Hereditary; Hereditary neoplastic syndrome; Tumor predisposition; Hereditary Cancer Syndrome. Identifiers: Orphanet 140162, MedGen C0027672, MeSH D009386, MONDO:0015356.
Bloom syndrome (BLM). Also called: Bloom-Torre-Machacek syndrome. Identifiers: Orphanet 125, MedGen C0005859, MONDO:0008876, OMIM 210900.

Submissions (2):

Ambry Genetics
Classification: Pathogenic for Hereditary cancer-predisposing syndrome. Last evaluated: 2023-11-15. Review status: criteria provided, single submitter. Criteria: Ambry Variant Classification Scheme 2023. Collection method: clinical testing. Allele origin: germline.
Comment: The c.2991_2995delTGTGA pathogenic mutation, located in coding exon 14 of the BLM gene, results from a deletion of 5 nucleotides at nucleotide positions 2991 to 2995, causing a translational frameshift with a predicted alternate stop codon (p.V998Qfs*23). This alteration is expected to result in loss of function by premature protein truncation or nonsense-mediated mRNA decay. As such, this alteration is interpreted as a disease-causing mutation.

Labcorp Genetics (formerly Invitae), Labcorp
Classification: Pathogenic for Bloom syndrome. Last evaluated: 2020-11-27. Review status: criteria provided, single submitter. Criteria: Invitae Variant Classification Sherloc (09022015). Collection method: clinical testing. Allele origin: germline.
Comment: For these reasons, this variant has been classified as Pathogenic. This variant has not been reported in the literature in individuals with BLM-related conditions. This variant is not present in population databases (ExAC no frequency). This sequence change creates a premature translational stop signal (p.Val998Glnfs*23) in the BLM gene. It is expected to result in an absent or disrupted protein product. Loss-of-function variants in BLM are known to be pathogenic (PMID: 17407155).

Literature cited by the submitters: PubMed 17407155 (cited by Labcorp Genetics (formerly Invitae), Labcorp).

NM_000057.4(BLM):c.2991_2995del (p.Val998fs)

Gene: BLM (BLM RecQ like helicase; plus strand). Cytogenetic location: 15q26.1.
Variant type: Deletion.
Coding change: c.2991_2995del on transcript NM_000057.4 (MANE Select); coding-DNA positions 2991 to 2995, 5 bases deleted (TGTGA; older notation c.2991_2995delTGTGA).
Protein change: p.Val998fs; shifts the reading frame from valine 998.
Molecular consequence: frameshift variant.
Genome position (GRCh38, 1-based): chr15:90,790,816-90,790,820, TGTGA deleted; deleting any 5 consecutive bases within chr15:90,790,813-90,790,820 gives the same sequence; the c. name uses the placement nearest the transcript's 3' end. VCF-style (leftmost placement, unchanged base first): chr15-90790812-ATGATG-A. GRCh37 (hg19) VCF-style: chr15-91334042-ATGATG-A.
Other names: c.2991_2995del, p.Val998fs (NM_001287246.2, NM_001287247.2); c.1866_1870del, p.Val623fs (NM_001287248.2); c.2991_2995delTGTGA (NM_000057.2); short protein forms V998fs, V623fs.
Identifiers: ClinVar variation 1392075 (VCV001392075.7), dbSNP rs2151184718, ClinGen allele CA2573151457.